The following is an entry in ClinVar:

NM_000447.3(PSEN2):c.4C>T (p.Leu2Phe)

Gene: PSEN2 (presenilin 2; plus strand). Cytogenetic location: 1q42.13.
Variant type: single nucleotide variant.
Coding change: c.4C>T on transcript NM_000447.3 (MANE Select); coding-DNA position 4, C replaced by T.
Protein change: p.Leu2Phe; replaces leucine 2 with phenylalanine.
Molecular consequence: missense variant.
Genome position (GRCh38, 1-based): chr1:226,881,911, C>T. VCF-style: chr1-226881911-C-T. GRCh37 (hg19) VCF-style: chr1-227069612-C-T.
Other names: c.4C>T, p.Leu2Phe (NM_012486.3); short protein forms L2F.
Identifiers: ClinVar variation 3712111 (VCV003712111.2).

ClinVar aggregate classification (germline): Uncertain significance (1 of 4 stars; one submission).

Conditions:
Alzheimer disease 4 (AD4). Identifiers: Orphanet 1020, MedGen C1847200, MONDO:0011743, OMIM 606889.

Submission:

Labcorp Genetics (formerly Invitae), Labcorp
Classification: Uncertain significance for Alzheimer disease 4. Last evaluated: 2024-03-28. Review status: criteria provided, single submitter. Criteria: Invitae Variant Classification Sherloc (09022015). Collection method: clinical testing. Allele origin: germline.
Comment: This sequence change replaces leucine, which is neutral and non-polar, with phenylalanine, which is neutral and non-polar, at codon 2 of the PSEN2 protein (p.Leu2Phe). This variant is present in population databases (no rsID available, gnomAD 0.01%). This variant has not been reported in the literature in individuals affected with PSEN2-related conditions. Algorithms developed to predict the effect of missense changes on protein structure and function output the following: SIFT: "Not Available"; PolyPhen-2: "Benign"; Align-GVGD: "Not Available". The phenylalanine amino acid residue is found in multiple mammalian species, which suggests that this missense change does not adversely affect protein function. In summary, the available evidence is currently insufficient to determine the role of this variant in disease. Therefore, it has been classified as a Variant of Uncertain Significance.